The following is an entry in ClinVar:

NM_001273.5(CHD4):c.3992G>A (p.Arg1331Gln)

Genes: CHD4 (chromodomain helicase DNA binding protein 4; minus strand), CHD4-AS1 (CHD4 antisense RNA 1; plus strand). Cytogenetic location: 12p13.31.
Variant type: single nucleotide variant.
Coding change: c.3992G>A on transcript NM_001273.5 (MANE Select); coding-DNA position 3992, G replaced by A.
Protein change: p.Arg1331Gln; replaces arginine 1331 with glutamine.
Molecular consequence: missense variant. On other transcripts: non-coding transcript variant (2).
Genome position (GRCh38, 1-based): chr12:6,583,266, C>T on the plus strand (G>A on the coding strand, the complement: CHD4 is on the minus strand). VCF-style: chr12-6583266-C-T. GRCh37 (hg19) VCF-style: chr12-6692432-C-T.
Other names: c.3971G>A, p.Arg1324Gln (NM_001297553.2); c.3953G>A, p.Arg1318Gln (NM_001363606.2); short protein forms R1318Q, R1324Q, R1331Q.
Identifiers: ClinVar variation 4879226 (VCV004879226.1).

ClinVar aggregate classification (germline): Uncertain significance (1 of 4 stars; one submission).

Conditions:
Sifrim-Hitz-Weiss syndrome (SIHIWES). Also called: CHD4 Neurodevelopmental Disorder; SIFRIM-HITZ-WEISS MULTIPLE CONGENITAL ANOMALIES-MENTAL RETARDATION SYNDROME. Identifiers: Orphanet 653712, MedGen C4310688, MONDO:0014946, OMIM 617159.

gnomAD v4.1: 7 of 1,614,194 alleles (0.00043%); highest among the groups gnomAD compares: Non-Finnish European, 0.00051%; no homozygotes.

Submission:

Clinical Genomics Laboratory, Washington University in St. Louis
Classification: Uncertain significance for Sifrim-Hitz-Weiss syndrome. Last evaluated: 2026-02-13. Review status: criteria provided, single submitter. Criteria: ACMG Guidelines, 2015. Collection method: clinical testing. Allele origin: germline.
Comment: The CHD4 c.3992G>A (p.Arg1331Gln) variant, to our knowledge, has not been reported in the medical literature and is absent from the general population (gnomAD v2.1.1), indicating it is not a common variant. This variant resides within the SNF2-like ATPase/helicase domain of CHD4 that is defined as a critical functional domain (Weiss K et al., PMID: 31388190), but computational predictors are uncertain as to the impact of this variant on CHD4 function. Due to limited information, and based on ACMG/AMP guidelines for variant interpretation (Richards S et al., PMID: 25741868), the clinical significance of this variant is uncertain at this time.